The following is an entry in ClinVar:

ClinVar aggregate classification (germline): Likely benign (1 of 4 stars; one submission).

gnomAD v4.1: 758 of 960,132 alleles (0.079%); highest among the groups gnomAD compares: African/African-American, 1%; 5 homozygotes.

Submission:

GeneDx
Classification: Likely benign. Last evaluated: 2021-12-14. Review status: criteria provided, single submitter. Criteria: GeneDx Variant Classification Process June 2021. Collection method: clinical testing. Allele origin: germline. Affected: yes.
Comment: See Variant Classification Assertion Criteria.

NM_014967.5(FAN1):c.2338-141C>G

Genes: FAN1 (FANCD2 and FANCI associated nuclease 1; plus strand), MTMR10 (myotubularin related protein 10; minus strand). Cytogenetic location: 15q13.3.
Variant type: single nucleotide variant.
Coding change: c.2338-141C>G on transcript NM_014967.5 (MANE Select); 141 bases into the intron before coding-DNA position 2338, C replaced by G.
Molecular consequence: intron variant.
Genome position (GRCh38, 1-based): chr15:30,925,648, C>G. VCF-style: chr15-30925648-C-G. GRCh37 (hg19) VCF-style: chr15-31217851-C-G.
Identifiers: ClinVar variation 4813967 (VCV004813967.1).